The following is an entry in ClinVar:

ClinVar aggregate classification (germline): Pathogenic (1 of 4 stars; one submission).

Conditions:
Retinal disorder. Also called: Retinopathy; Retinopathies; Retinal Diseases; Retinal disorders. Identifiers: MedGen C0035309, MONDO:0005283, HP:0000488.

Submission:

Genetics Laboratory, Great Ormond Street Hospital NHS Foundation Trust, North Thames Genomic Laboratory Hub
Classification: Pathogenic for Retinal disorders. Last evaluated: 2025-12-08. Review status: criteria provided, single submitter. Criteria: ACGS Best Practice Guidelines for Variant Classification in Rare Disease 2024 v1.2. Collection method: clinical testing. Allele origin: germline. Affected: yes.
Comment: PM2_moderate, PVS1_very-strong

NM_015662.3(IFT172):c.2138del (p.Gly713fs)

Gene: IFT172 (intraflagellar transport 172; minus strand). Cytogenetic location: 2p23.3.
Variant type: Deletion.
Coding change: c.2138del on transcript NM_015662.3 (MANE Select); coding-DNA position 2138, one base deleted (G; older notation c.2138delG).
Protein change: p.Gly713fs; shifts the reading frame from glycine 713.
Molecular consequence: frameshift variant.
Genome position (GRCh38, 1-based): chr2:27,461,814, C deleted on the plus strand (G on the coding strand, the reverse complement: IFT172 is on the minus strand); the first of 3 consecutive C bases (chr2:27,461,814-27,461,816); deleting any one gives the same sequence. VCF-style (leftmost placement, unchanged base first): chr2-27461813-GC-G. GRCh37 (hg19) VCF-style: chr2-27684680-GC-G.
Other names: c.2072del, p.Gly691fs (NM_001410739.1); short protein forms G691fs, G713fs.
Identifiers: ClinVar variation 4690275 (VCV004690275.1).